The following is an entry in ClinVar:

ClinVar aggregate classification (germline): Uncertain significance. Review status: criteria provided, multiple submitters, no conflicts (2 of 4 stars). 2 submissions from 2 submitters: Uncertain significance (2). Last evaluated 2026-07-29.

Conditions:
Familial hypobetalipoproteinemia 1. Also called: APOB-Related Familial Hypobetalipoproteinemia; Hypobetalipoproteinemia, normotriglyceridemic; Acanthocytosis with hypobetalipoproteinemia. Identifiers: MedGen C4551990, MONDO:0014252, OMIM 615558.
Hypercholesterolemia, autosomal dominant, type B (FHCL2). Also called: Familial hypercholesterolemia 2; Hyperlipoproteinemia Type IIb; Familial Hypercholesterolemia Type B; APOB-Related Familial Hypercholesterolemia, Autosomal Dominant; APOLIPOPROTEIN B-100, FAMILIAL DEFECTIVE; APOLIPOPROTEIN B-100, FAMILIAL LIGAND-DEFECTIVE. Identifiers: MedGen C1704417, MONDO:0007751, OMIM 144010.
Cardiovascular phenotype. Identifiers: MedGen CN230736.

Allele frequency attached by ClinVar (database versions not stated): TOPMed 0.00001; gnomAD 0.00001.

Submissions (2):

Ambry Genetics
Classification: Uncertain significance for Cardiovascular phenotype. Last evaluated: 2026-07-29. Review status: criteria provided, single submitter. Criteria: Ambry Variant Classification Scheme 2023. Collection method: clinical testing. Allele origin: germline.

Labcorp Genetics (formerly Invitae), Labcorp
Classification: Uncertain significance for Familial hypobetalipoproteinemia 1; Hypercholesterolemia, autosomal dominant, type B. Last evaluated: 2025-09-10. Review status: criteria provided, single submitter. Criteria: Invitae Variant Classification Sherloc (09022015). Collection method: clinical testing. Allele origin: germline.
Comment: This sequence change replaces serine, which is neutral and polar, with arginine, which is basic and polar, at codon 985 of the APOB protein (p.Ser985Arg). This variant is not present in population databases (gnomAD no frequency). This variant has not been reported in the literature in individuals affected with APOB-related conditions. ClinVar contains an entry for this variant (Variation ID: 2925937). Invitae Evidence Modeling of protein sequence and biophysical properties (such as structural, functional, and spatial information, amino acid conservation, physicochemical variation, residue mobility, and thermodynamic stability) indicates that this missense variant is not expected to disrupt APOB protein function with a negative predictive value of 95%. In summary, the available evidence is currently insufficient to determine the role of this variant in disease. Therefore, it has been classified as a Variant of Uncertain Significance.

NM_000384.3(APOB):c.2955C>A (p.Ser985Arg)

Gene: APOB (apolipoprotein B; minus strand). Cytogenetic location: 2p24.1.
Variant type: single nucleotide variant.
Coding change: c.2955C>A on transcript NM_000384.3 (MANE Select); coding-DNA position 2955, C replaced by A.
Protein change: p.Ser985Arg; replaces serine 985 with arginine.
Molecular consequence: missense variant.
Genome position (GRCh38, 1-based): chr2:21,019,767, G>T on the plus strand (C>A on the coding strand, the complement: APOB is on the minus strand). VCF-style: chr2-21019767-G-T. GRCh37 (hg19) VCF-style: chr2-21242639-G-T.
Other names: c.2955C>A (NM_000384.2); short protein forms S985R.
Identifiers: ClinVar variation 2925937 (VCV002925937.5), dbSNP rs1364037907, ClinGen allele CA346010161.